The following is an entry in ClinVar:

ClinVar aggregate classification (germline): Uncertain significance. Review status: criteria provided, multiple submitters, no conflicts (2 of 4 stars). 2 submissions from 2 submitters: Uncertain significance (2). Last evaluated 2022-07-04.

Conditions:
Hereditary cancer-predisposing syndrome. Also called: Neoplastic Syndromes, Hereditary; Tumor predisposition; Hereditary Cancer Syndrome; Hereditary neoplastic syndrome. Identifiers: Orphanet 140162, MedGen C0027672, MeSH D009386, MONDO:0015356.
Familial cancer of breast. Also called: BREAST CANCER, FAMILIAL; Hereditary breast cancer; hereditary breast carcinoma. Identifiers: Orphanet 227535, MedGen C0346153, MONDO:0016419, OMIM 114480. Disease mechanism: loss of function.

Submissions (2):

Labcorp Genetics (formerly Invitae), Labcorp
Classification: Uncertain significance for Familial cancer of breast. Last evaluated: 2022-07-04. Review status: criteria provided, single submitter. Criteria: Invitae Variant Classification Sherloc (09022015). Collection method: clinical testing. Allele origin: germline.
Comment: In summary, the available evidence is currently insufficient to determine the role of this variant in disease. Therefore, it has been classified as a Variant of Uncertain Significance. Algorithms developed to predict the effect of missense changes on protein structure and function are either unavailable or do not agree on the potential impact of this missense change (SIFT: "Deleterious"; PolyPhen-2: "Probably Damaging"; Align-GVGD: "Class C0"). This variant has not been reported in the literature in individuals affected with CHEK2-related conditions. This variant is not present in population databases (gnomAD no frequency). This sequence change replaces proline, which is neutral and non-polar, with leucine, which is neutral and non-polar, at codon 350 of the CHEK2 protein (p.Pro350Leu).

Ambry Genetics
Classification: Uncertain significance for Hereditary cancer-predisposing syndrome. Last evaluated: 2021-12-21. Review status: criteria provided, single submitter. Criteria: Ambry Variant Classification Scheme 2023. Collection method: clinical testing. Allele origin: germline.
Comment: The p.P350L variant (also known as c.1049C>T), located in coding exon 9 of the CHEK2 gene, results from a C to T substitution at nucleotide position 1049. The proline at codon 350 is replaced by leucine, an amino acid with similar properties. This amino acid position is conserved. In addition, this alteration is predicted to be deleterious by in silico analysis. Since supporting evidence is limited at this time, the clinical significance of this alteration remains unclear.

NM_007194.4(CHEK2):c.1049C>T (p.Pro350Leu)

Gene: CHEK2 (checkpoint kinase 2; minus strand). Cytogenetic location: 22q12.1.
Variant type: single nucleotide variant.
Coding change: c.1049C>T on transcript NM_007194.4 (MANE Select); coding-DNA position 1049, C replaced by T.
Protein change: p.Pro350Leu; replaces proline 350 with leucine.
Molecular consequence: missense variant. On other transcripts: intron variant (3).
Genome position (GRCh38, 1-based): chr22:28,696,947, G>A on the plus strand (C>T on the coding strand, the complement: CHEK2 is on the minus strand). VCF-style: chr22-28696947-G-A. GRCh37 (hg19) VCF-style: chr22-29092935-G-A.
Other names: c.1178C>T, p.Pro393Leu (NM_001005735.3); c.386C>T, p.Pro129Leu (NM_001257387.3, NM_001437942.1); c.848C>T, p.Pro283Leu (NM_001349956.3); c.1142C>T, p.Pro381Leu (NM_001438293.1); c.1009-1074C>T (NM_145862.3); c.1102-1074C>T (NM_001438295.1); c.1138-1074C>T (NM_001438294.1); short protein forms P129L, P393L, P283L, P350L, P381L.
Identifiers: ClinVar variation 1776365 (VCV001776365.7), dbSNP rs2145817048, ClinGen allele CA411097677.